The following is an entry in ClinVar:

NM_205768.3(ZBTB18):c.1518G>A (p.Ser506=)

Gene: ZBTB18 (zinc finger and BTB domain containing 18; plus strand). Cytogenetic location: 1q44.
Variant type: single nucleotide variant.
Coding change: c.1518G>A on transcript NM_205768.3 (MANE Select); coding-DNA position 1518, G replaced by A.
Protein change: p.Ser506=; no amino-acid change (serine 506 retained).
Molecular consequence: synonymous variant. On other transcripts: 3 prime UTR variant (1).
Genome position (GRCh38, 1-based): chr1:244,055,292, G>A. VCF-style: chr1-244055292-G-A. GRCh37 (hg19) VCF-style: chr1-244218594-G-A.
Other names: c.1491G>A, p.Ser497= (NM_001278196.2, NM_006352.5); c.*695G>A (NM_001421566.1).
Identifiers: ClinVar variation 2640221 (VCV002640221.27), dbSNP rs148342414, ClinGen allele CA1484468.

ClinVar aggregate classification (germline): Likely benign. Review status: criteria provided, multiple submitters, no conflicts (2 of 4 stars). 2 submissions from 2 submitters: Likely benign (2). Last evaluated 2025-11-13.

Allele frequency attached by ClinVar (database versions not stated): ExAC 0.00008; ESP Exome Variant Server 0.00008; gnomAD 0.00009; TOPMed 0.00010.
gnomAD v4.1: 145 of 1,613,572 alleles (0.009%); highest among the groups gnomAD compares: South Asian, 0.011%; no homozygotes.

Submissions (2):

Labcorp Genetics (formerly Invitae), Labcorp
Classification: Likely benign. Last evaluated: 2025-11-13. Review status: criteria provided, single submitter. Criteria: Invitae Variant Classification Sherloc (09022015). Collection method: clinical testing. Allele origin: germline.

CeGaT Center for Human Genetics Tuebingen
Classification: Likely benign. Last evaluated: 2024-07-01. Review status: criteria provided, single submitter. Criteria: CeGaT Center For Human Genetics Tuebingen Variant Classification Criteria Version 2. Collection method: clinical testing. Allele origin: germline. Affected: yes. Observed: 2 variant alleles.
Comment: ZBTB18: BP4, BP7